The following is an entry in ClinVar:

NM_016203.4(PRKAG2):c.1172T>C (p.Ile391Thr)

Gene: PRKAG2 (protein kinase AMP-activated non-catalytic subunit gamma 2; minus strand). Cytogenetic location: 7q36.1.
Variant type: single nucleotide variant.
Coding change: c.1172T>C on transcript NM_016203.4 (MANE Select); coding-DNA position 1172, T replaced by C.
Protein change: p.Ile391Thr; replaces isoleucine 391 with threonine.
Molecular consequence: missense variant.
Genome position (GRCh38, 1-based): chr7:151,568,777, A>G on the plus strand (T>C on the coding strand, the complement: PRKAG2 is on the minus strand). VCF-style: chr7-151568777-A-G. GRCh37 (hg19) VCF-style: chr7-151265863-A-G.
Other names: c.1040T>C, p.Ile347Thr (NM_001040633.2); c.797T>C, p.Ile266Thr (NM_001304527.2); c.449T>C, p.Ile150Thr (NM_001304531.2, NM_024429.2); c.800T>C, p.Ile267Thr (NM_001363698.2); c.1172T>C (NM_016203.3); short protein forms I150T, I267T, I266T, I347T, I391T.
Identifiers: ClinVar variation 925559 (VCV000925559.12), dbSNP rs1425296851, ClinGen allele CA370071539.

ClinVar aggregate classification (germline): Uncertain significance. Review status: criteria provided, multiple submitters, no conflicts (2 of 4 stars). 5 submissions from 5 submitters: Uncertain significance (5). Last evaluated 2025-11-12.

Conditions:
Cardiovascular phenotype. Identifiers: MedGen CN230736.
Hypertrophic cardiomyopathy. Also called: HYPERTROPHIC MYOCARDIOPATHY. Identifiers: Orphanet 217569, MedGen C0007194, MeSH D002312, MONDO:0005045, HP:0001639.
Cardiomyopathy (CMYO). Also called: Cardiomyopathies. Identifiers: Orphanet 167848, MedGen C0878544, MONDO:0004994, HP:0001638. Inheritance: Various modes of inheritance.
Lethal congenital glycogen storage disease of heart. Also called: GLYCOGEN STORAGE DISEASE OF HEART; PHOSPHORYLASE KINASE DEFICIENCY OF HEART. Identifiers: Orphanet 439854, MedGen C1849813, MONDO:0009867, OMIM 261740.

Allele frequency attached by ClinVar (database versions not stated): gnomAD exomes below 0.00001; gnomAD 0.00001; TOPMed 0.00002.
gnomAD v4.1: 6 of 1,613,856 alleles (0.00037%); highest among the groups gnomAD compares: African/African-American, 0.0013%; no homozygotes.

Submissions (5):

Labcorp Genetics (formerly Invitae), Labcorp
Classification: Uncertain significance for Lethal congenital glycogen storage disease of heart. Last evaluated: 2025-11-12. Review status: criteria provided, single submitter. Criteria: Invitae Variant Classification Sherloc (09022015). Collection method: clinical testing. Allele origin: germline.
Comment: This sequence change replaces isoleucine, which is neutral and non-polar, with threonine, which is neutral and polar, at codon 391 of the PRKAG2 protein (p.Ile391Thr). This variant is present in population databases (no rsID available, gnomAD 0.0009%). This variant has not been reported in the literature in individuals affected with PRKAG2-related conditions. ClinVar contains an entry for this variant (Variation ID: 925559). Invitae Evidence Modeling of protein sequence and biophysical properties (such as structural, functional, and spatial information, amino acid conservation, physicochemical variation, residue mobility, and thermodynamic stability) indicates that this missense variant is not expected to disrupt PRKAG2 protein function with a negative predictive value of 95%. In summary, the available evidence is currently insufficient to determine the role of this variant in disease. Therefore, it has been classified as a Variant of Uncertain Significance.

Color Diagnostics, LLC DBA Color Health
Classification: Uncertain significance for Cardiomyopathy. Last evaluated: 2024-03-06. Review status: criteria provided, single submitter. Criteria: ACMG Guidelines, 2015. Collection method: clinical testing. Allele origin: germline.
Comment: This missense variant replaces isoleucine with threonine at codon 391 of the PRKAG2 protein. Computational prediction suggests that this variant may not impact protein structure and function (internally defined REVEL score threshold <= 0.5, PMID: 27666373). Splice site prediction tools suggest that this variant may not impact RNA splicing. To our knowledge, functional studies have not been performed for this variant. This variant has not been reported in individuals affected with cardiovascular disorders in the literature. This variant has been identified in 1/251432 chromosomes in the general population by the Genome Aggregation Database (gnomAD). The available evidence is insufficient to determine the role of this variant in disease conclusively. Therefore, this variant is classified as a Variant of Uncertain Significance.

GeneDx
Classification: Uncertain significance. Last evaluated: 2023-12-12. Review status: criteria provided, single submitter. Criteria: GeneDx Variant Classification Process June 2021. Collection method: clinical testing. Allele origin: germline. Affected: yes.
Comment: Has not been previously published as pathogenic or benign to our knowledge; Not observed at significant frequency in large population cohorts (gnomAD); In silico analysis supports that this missense variant does not alter protein structure/function

All of Us Research Program, National Institutes of Health
Classification: Uncertain significance for Hypertrophic cardiomyopathy. Last evaluated: 2023-12-01. Review status: criteria provided, single submitter. Criteria: ACMG Guidelines, 2015. Collection method: clinical testing. Allele origin: germline. Inheritance: Autosomal dominant inheritance. Observed: 2 variant alleles, 2 heterozygotes.
Comment: This missense variant replaces isoleucine with threonine at codon 391 of the PRKAG2 protein. Computational prediction suggests that this variant may not impact protein structure and function (internally defined REVEL score threshold <= 0.5, PMID: 27666373). Splice site prediction tools suggest that this variant may not impact RNA splicing. To our knowledge, functional studies have not been performed for this variant. This variant has not been reported in individuals affected with cardiovascular disorders in the literature. This variant has been identified in 1/251432 chromosomes in the general population by the Genome Aggregation Database (gnomAD). The available evidence is insufficient to determine the role of this variant in disease conclusively. Therefore, this variant is classified as a Variant of Uncertain Significance.

This study involves interpretation of variants in research participants for the purpose of population health screening. Participant phenotype was not available at the time of variant classification. Additional details can be found in publication PMID: 35346344, PMCID: PMC8962531

Ambry Genetics
Classification: Uncertain significance for Cardiovascular phenotype. Last evaluated: 2022-06-14. Review status: criteria provided, single submitter. Criteria: Ambry Variant Classification Scheme 2023. Collection method: clinical testing. Allele origin: germline.
Comment: The p.I391T variant (also known as c.1172T>C), located in coding exon 11 of the PRKAG2 gene, results from a T to C substitution at nucleotide position 1172. The isoleucine at codon 391 is replaced by threonine, an amino acid with similar properties. This amino acid position is conserved. In addition, this alteration is predicted to be tolerated by in silico analysis. Since supporting evidence is limited at this time, the clinical significance of this alteration remains unclear.